The following is an entry in ClinVar:

NM_004360.5(CDH1):c.1685C>G (p.Thr562Arg)

Gene: CDH1 (cadherin 1; plus strand). Cytogenetic location: 16q22.1.
Variant type: single nucleotide variant.
Coding change: c.1685C>G on transcript NM_004360.5 (MANE Select); coding-DNA position 1685, C replaced by G.
Protein change: p.Thr562Arg; replaces threonine 562 with arginine.
Molecular consequence: missense variant. On other transcripts: intron variant (1).
Genome position (GRCh38, 1-based): chr16:68,819,399, C>G. VCF-style: chr16-68819399-C-G. GRCh37 (hg19) VCF-style: chr16-68853302-C-G.
Other names: c.1685C>G (LRG_301t1); c.1502C>G, p.Thr501Arg (NM_001317184.2); c.137C>G, p.Thr46Arg (NM_001317185.2); c.-254-2602C>G (NM_001317186.2); short protein forms T562R, T46R, T501R.
Identifiers: ClinVar variation 142321 (VCV000142321.18), dbSNP rs587782381, ClinGen allele CA168064.
Genomic context (GRCh38, chr16:68,819,399, plus strand): 5'-TTTCCACTCGGGCTGAGCTGGACAGGGAGGATTTTGAGCACGTGAAGAACAGCACGTACA[C>G]AGCCCTAATCATAGCTACAGACAATGGTAAGGGGGCCTCATCTGAGCCTTTGCTGCCTCG-3'
Protein context (NP_004351.1, residues 552-572): DFEHVKNSTY[Thr562Arg]ALIIATDNGS

ClinVar aggregate classification (germline): Conflicting classifications of pathogenicity. Review status: criteria provided, conflicting classifications (1 of 4 stars). 3 submissions from 3 submitters: Uncertain significance (2); Likely benign (1). Last evaluated 2026-07-01.

Conditions:
Hereditary cancer-predisposing syndrome. Also called: Neoplastic Syndromes, Hereditary; Hereditary Cancer Syndrome; Tumor predisposition; Hereditary neoplastic syndrome. Identifiers: Orphanet 140162, MedGen C0027672, MeSH D009386, MONDO:0015356.
Hereditary diffuse gastric adenocarcinoma (HDGC). Also called: DIFFUSE GASTRIC AND LOBULAR BREAST CANCER SYNDROME. Identifiers: Orphanet 26106, MedGen C1708349, MONDO:0007648, OMIM 137215.

gnomAD v4.1: 1 of 1,613,780 alleles (0.000062%); highest among the groups gnomAD compares: Non-Finnish European, 0.000085%; no homozygotes.

Submissions (3):

Ambry Genetics
Classification: Likely benign for Hereditary cancer-predisposing syndrome. Last evaluated: 2026-07-01. Review status: criteria provided, single submitter. Criteria: Ambry Variant Classification Scheme 2023. Collection method: clinical testing. Allele origin: germline.

Labcorp Genetics (formerly Invitae), Labcorp
Classification: Uncertain significance for Hereditary diffuse gastric adenocarcinoma. Last evaluated: 2023-07-29. Review status: criteria provided, single submitter. Criteria: Invitae Variant Classification Sherloc (09022015). Collection method: clinical testing. Allele origin: germline.
Comment: This variant is not present in population databases (gnomAD no frequency). This sequence change replaces threonine, which is neutral and polar, with arginine, which is basic and polar, at codon 562 of the CDH1 protein (p.Thr562Arg). In summary, the available evidence is currently insufficient to determine the role of this variant in disease. Therefore, it has been classified as a Variant of Uncertain Significance. An algorithm developed to predict the effect of missense changes on protein structure and function (PolyPhen-2) suggests that this variant is likely to be disruptive. ClinVar contains an entry for this variant (Variation ID: 142321). This variant has not been reported in the literature in individuals affected with CDH1-related conditions.

Color Diagnostics, LLC DBA Color Health
Classification: Uncertain significance for Hereditary cancer-predisposing syndrome. Last evaluated: 2019-04-05. Review status: criteria provided, single submitter. Criteria: ACMG Guidelines, 2015. Collection method: clinical testing. Allele origin: germline.